The following is an entry in ClinVar:

ClinVar aggregate classification (germline): Uncertain significance. Review status: criteria provided, multiple submitters, no conflicts (2 of 4 stars). 2 submissions from 2 submitters: Uncertain significance (2). Last evaluated 2021-08-24.

Conditions:
Fanconi anemia complementation group P. Also called: SLX4-Related Fanconi Anemia. Identifiers: Orphanet 84, MedGen C3469542, MONDO:0013499, OMIM 613951.
Fanconi anemia (FA). Also called: Fanconi's anemia. Identifiers: Orphanet 84, MedGen C0015625, MeSH D005199, MONDO:0019391.

Allele frequency attached by ClinVar (database versions not stated): TOPMed below 0.00001; gnomAD exomes 0.00001.
gnomAD v4.1: 2 of 1,613,782 alleles (0.00012%); highest among the groups gnomAD compares: Admixed American, 0.0033%; no homozygotes.

Submissions (2):

Labcorp Genetics (formerly Invitae), Labcorp
Classification: Uncertain significance for Fanconi anemia. Last evaluated: 2021-08-24. Review status: criteria provided, single submitter. Criteria: Invitae Variant Classification Sherloc (09022015). Collection method: clinical testing. Allele origin: germline.
Comment: Algorithms developed to predict the effect of missense changes on protein structure and function are either unavailable or do not agree on the potential impact of this missense change (SIFT: "Tolerated"; PolyPhen-2: "Possibly Damaging"; Align-GVGD: "Class C0"). In summary, the available evidence is currently insufficient to determine the role of this variant in disease. Therefore, it has been classified as a Variant of Uncertain Significance. This variant has not been reported in the literature in individuals with SLX4-related conditions. ClinVar contains an entry for this variant (Variation ID: 998224). This sequence change replaces glycine with aspartic acid at codon 380 of the SLX4 protein (p.Gly380Asp). The glycine residue is weakly conserved and there is a moderate physicochemical difference between glycine and aspartic acid. This variant is not present in population databases (ExAC no frequency).

Baylor Genetics
Classification: Uncertain significance for Fanconi anemia complementation group P. Last evaluated: 2018-12-17. Review status: criteria provided, single submitter. Criteria: ACMG Guidelines, 2015. Collection method: clinical testing. Allele origin: unknown. Affected: yes. Study: CSER-TexasKidsCanSeq.
Comment: This variant was determined to be of uncertain significance according to ACMG Guidelines, 2015 [PMID:25741868]. The c.421G>T (p.G141W) variant has been previously reported in patients with breast cancer [PMID 23211700, 23840564]

Literature cited by the submitters: PubMed 23211700 (cited by Baylor Genetics); PubMed 23840564 (cited by Baylor Genetics).

NM_032444.4(SLX4):c.1139G>A (p.Gly380Asp)

Gene: SLX4 (SLX4 structure-specific endonuclease subunit; minus strand). Cytogenetic location: 16p13.3.
Variant type: single nucleotide variant.
Coding change: c.1139G>A on transcript NM_032444.4 (MANE Select); coding-DNA position 1139, G replaced by A.
Protein change: p.Gly380Asp; replaces glycine 380 with aspartic acid.
Molecular consequence: missense variant.
Genome position (GRCh38, 1-based): chr16:3,601,003, C>T on the plus strand (G>A on the coding strand, the complement: SLX4 is on the minus strand). VCF-style: chr16-3601003-C-T. GRCh37 (hg19) VCF-style: chr16-3651004-C-T.
Other names: short protein forms G380D.
Identifiers: ClinVar variation 998224 (VCV000998224.8), dbSNP rs1052888437, ClinGen allele CA276966217.